The following is an entry in ClinVar:

ClinVar aggregate classification (germline): Uncertain significance (1 of 4 stars; one submission).

Submission:

GeneDx
Classification: Uncertain significance. Last evaluated: 2024-11-20. Review status: criteria provided, single submitter. Criteria: GeneDx Variant Classification Process June 2021. Collection method: clinical testing. Allele origin: germline. Affected: yes.
Comment: Not observed at significant frequency in large population cohorts (gnomAD); In silico analysis indicates that this missense variant does not alter protein structure/function; Has not been previously published as pathogenic or benign to our knowledge

NM_001357.5(DHX9):c.3419G>A (p.Arg1140Lys)

Gene: DHX9 (DExH-box helicase 9; plus strand). Cytogenetic location: 1q25.3.
Variant type: single nucleotide variant.
Coding change: c.3419G>A on transcript NM_001357.5 (MANE Select); coding-DNA position 3419, G replaced by A.
Protein change: p.Arg1140Lys; replaces arginine 1140 with lysine.
Molecular consequence: missense variant. On other transcripts: non-coding transcript variant (1).
Genome position (GRCh38, 1-based): chr1:182,884,771, G>A. VCF-style: chr1-182884771-G-A. GRCh37 (hg19) VCF-style: chr1-182853906-G-A.
Other names: short protein forms R1140K.
Identifiers: ClinVar variation 3900452 (VCV003900452.1).